The following is an entry in ClinVar:

ClinVar aggregate classification (germline): Uncertain significance (1 of 4 stars; one submission).

Conditions:
Hereditary cancer-predisposing syndrome. Also called: Tumor predisposition; Neoplastic Syndromes, Hereditary; Hereditary neoplastic syndrome; Hereditary Cancer Syndrome. Identifiers: Orphanet 140162, MedGen C0027672, MeSH D009386, MONDO:0015356.

gnomAD v4.1: 1 of 1,609,482 alleles (0.000062%); highest among the groups gnomAD compares: South Asian, 0.0011%; no homozygotes.

Submission:

Ambry Genetics
Classification: Uncertain significance for Hereditary cancer-predisposing syndrome. Last evaluated: 2024-10-19. Review status: criteria provided, single submitter. Criteria: Ambry Variant Classification Scheme 2023. Collection method: clinical testing. Allele origin: germline.
Comment: The p.L15F variant (also known as c.43C>T), located in coding exon 2 of the XRCC2 gene, results from a C to T substitution at nucleotide position 43. The leucine at codon 15 is replaced by phenylalanine, an amino acid with highly similar properties. This amino acid position is conserved. In addition, this alteration is predicted to be tolerated by in silico analysis. Based on the available evidence, the clinical significance of this variant remains unclear.

NM_005431.2(XRCC2):c.43C>T (p.Leu15Phe)

Gene: XRCC2 (X-ray repair cross complementing 2; minus strand). Cytogenetic location: 7q36.1.
Variant type: single nucleotide variant.
Coding change: c.43C>T on transcript NM_005431.2 (MANE Select); coding-DNA position 43, C replaced by T.
Protein change: p.Leu15Phe; replaces leucine 15 with phenylalanine.
Molecular consequence: missense variant.
Genome position (GRCh38, 1-based): chr7:152,660,779, G>A on the plus strand (C>T on the coding strand, the complement: XRCC2 is on the minus strand). VCF-style: chr7-152660779-G-A. GRCh37 (hg19) VCF-style: chr7-152357864-G-A.
Other names: short protein forms L15F.
Identifiers: ClinVar variation 3471450 (VCV003471450.1).